The following is an entry in ClinVar:

ClinVar aggregate classification (germline): Likely benign. Review status: criteria provided, multiple submitters, no conflicts (2 of 4 stars). 3 submissions from 3 submitters: Likely benign (3). Last evaluated 2024-04-16.

Conditions:
Focal segmental glomerulosclerosis 5 (FSGS5). Identifiers: Orphanet 656, MedGen C2750475, MONDO:0013191, OMIM 613237.
Charcot-Marie-Tooth disease dominant intermediate E. Also called: CHARCOT-MARIE-TOOTH NEUROPATHY WITH FOCAL SEGMENTAL GLOMERULONEPHRITIS. Identifiers: Orphanet 93114, MedGen C4302667, MONDO:0013758, OMIM 614455.
Inborn genetic diseases. Identifiers: MedGen C0950123, MeSH D030342.

Allele frequency attached by ClinVar (database versions not stated): gnomAD 0.00001; gnomAD exomes 0.00001 and 0.00002; ExAC 0.00002.

Submissions (3):

Labcorp Genetics (formerly Invitae), Labcorp
Classification: Likely benign for Charcot-Marie-Tooth disease dominant intermediate E; Focal segmental glomerulosclerosis 5. Last evaluated: 2024-04-16. Review status: criteria provided, single submitter. Criteria: Invitae Variant Classification Sherloc (09022015). Collection method: clinical testing. Allele origin: germline.

Ambry Genetics
Classification: Likely benign for Inborn genetic diseases. Last evaluated: 2019-07-11. Review status: criteria provided, single submitter. Criteria: Ambry Variant Classification Scheme 2023. Collection method: clinical testing. Allele origin: germline.

GeneDx
Classification: Likely benign. Last evaluated: 2018-05-07. Review status: criteria provided, single submitter. Criteria: GeneDx Variant Classification (06012015). Collection method: clinical testing. Allele origin: germline. Affected: yes.
Comment: This variant is considered likely benign or benign based on one or more of the following criteria: it is a conservative change, it occurs at a poorly conserved position in the protein, it is predicted to be benign by multiple in silico algorithms, and/or has population frequency not consistent with disease.

NM_022489.4(INF2):c.2550C>T (p.Thr850=)

Gene: INF2 (inverted formin 2; plus strand). Cytogenetic location: 14q32.33.
Variant type: single nucleotide variant.
Coding change: c.2550C>T on transcript NM_022489.4 (MANE Select); coding-DNA position 2550, C replaced by T.
Protein change: p.Thr850=; no amino-acid change (threonine 850 retained).
Molecular consequence: synonymous variant.
Genome position (GRCh38, 1-based): chr14:104,712,493, C>T. VCF-style: chr14-104712493-C-T. GRCh37 (hg19) VCF-style: chr14-105178830-C-T.
Other names: c.2550C>T, p.Thr850= (NM_001031714.4).
Identifiers: ClinVar variation 540061 (VCV000540061.13), dbSNP rs771112980, ClinGen allele CA7372974.
Genomic context (GRCh38, chr14:104,712,493, plus strand): 5'-GATCAACCTGGAGATCATCCGCTCAGAGGCCAGCTCCAACCTGAAGAAGCTTCTGGAGAC[C>T]GAGCGGAAGGTGTCTGCCTCCGTGGCCGAGGTCCAGGAGCAGTACACCGAGCGCCTCCAG-3'
Protein context (NP_071934.3, residues 840-860): ASSNLKKLLE[Thr850=]ERKVSASVAE